The following is an entry in ClinVar:

ClinVar aggregate classification (germline): Pathogenic (1 of 4 stars; one submission).

Conditions:
Baller-Gerold syndrome (BGS). Also called: CRANIOSYNOSTOSIS WITH RADIAL DEFECTS. Identifiers: Orphanet 1225, MedGen C0265308, MONDO:0009039, OMIM 218600.

Submission:

Labcorp Genetics (formerly Invitae), Labcorp
Classification: Pathogenic for Baller-Gerold syndrome. Last evaluated: 2025-09-24. Review status: criteria provided, single submitter. Criteria: Invitae Variant Classification Sherloc (09022015). Collection method: clinical testing. Allele origin: germline.
Comment: This sequence change creates a premature translational stop signal (p.Phe850Profs*33) in the RECQL4 gene. It is expected to result in an absent or disrupted protein product. Loss-of-function variants in RECQL4 are known to be pathogenic (PMID: 12734318, 12952869). This variant is not present in population databases (gnomAD no frequency). This premature translational stop signal has been observed in individual(s) with RECQL4-related conditions (PMID: 18716613, 34341987). For these reasons, this variant has been classified as Pathogenic.

Literature cited by the submitters: PubMed 12734318; PubMed 12952869; PubMed 18716613; PubMed 34341987.

NM_004260.4(RECQL4):c.2544_2545del (p.Phe850fs)

Gene: RECQL4 (RecQ like helicase 4; minus strand). Cytogenetic location: 8q24.3.
Variant type: Microsatellite.
Coding change: c.2544_2545del on transcript NM_004260.4 (MANE Select); coding-DNA positions 2544 to 2545, 2 bases deleted (CG; older notation c.2544_2545delCG).
Protein change: p.Phe850fs; shifts the reading frame from phenylalanine 850.
Molecular consequence: frameshift variant. On other transcripts: non-coding transcript variant (3).
Genome position (GRCh38, 1-based): chr8:144,513,057-144,513,058, CG deleted on the plus strand (CG on the coding strand, the reverse complement: RECQL4 is on the minus strand); deleting any 2 consecutive bases within chr8:144,513,057-144,513,061 gives the same sequence; the c. name uses the placement nearest the transcript's 3' end. VCF-style (leftmost placement, unchanged base first): chr8-144513056-ACG-A. GRCh37 (hg19) VCF-style: chr8-145738439-ACG-A.
Other names: c.2250_2251del, p.Phe752fs (NM_001413017.1); c.2346_2347del, p.Phe784fs (NM_001413018.1); c.2544_2545del, p.Phe850fs (NM_001413019.1, NM_001413036.1); c.2448_2449del, p.Phe818fs (NM_001413020.1); c.1473_1474del, p.Phe493fs (NM_001413021.1, NM_001413022.1, NM_001413023.1 and 5 more transcripts); c.2415_2416del, p.Phe807fs (NM_001413025.1); c.1407_1408del, p.Phe471fs (NM_001413027.1, NM_001413030.1, NM_001413032.1 and 1 more transcripts); c.2193_2194del, p.Phe733fs (NM_001413029.1); and 6 more; short protein forms F471fs, F806fs, F361fs, F427fs, F752fs, F784fs, F807fs, F840fs.
Identifiers: ClinVar variation 4727813 (VCV004727813.1).